The following is an entry in ClinVar:

NM_001042492.3(NF1):c.5028A>G (p.Ala1676=)

Gene: NF1 (neurofibromin 1; plus strand). Cytogenetic location: 17q11.2.
Variant type: single nucleotide variant.
Coding change: c.5028A>G on transcript NM_001042492.3 (MANE Select); coding-DNA position 5028, A replaced by G.
Protein change: p.Ala1676=; no amino-acid change (alanine 1676 retained).
Molecular consequence: synonymous variant.
Genome position (GRCh38, 1-based): chr17:31,326,012, A>G. VCF-style: chr17-31326012-A-G. GRCh37 (hg19) VCF-style: chr17-29653030-A-G.
Other names: c.4965A>G, p.Ala1655= (NM_000267.4).
Identifiers: ClinVar variation 755622 (VCV000755622.10), dbSNP rs778817599, ClinGen allele CA8487129.

ClinVar aggregate classification (germline): Benign/Likely benign. Review status: criteria provided, multiple submitters, no conflicts (2 of 4 stars). 3 submissions from 3 submitters: Benign (1); Likely benign (2). Last evaluated 2026-09-28.

Conditions:
Cardiovascular phenotype. Identifiers: MedGen CN230736.
Hereditary cancer-predisposing syndrome. Also called: Hereditary neoplastic syndrome; Neoplastic Syndromes, Hereditary; Tumor predisposition; Hereditary Cancer Syndrome. Identifiers: Orphanet 140162, MedGen C0027672, MeSH D009386, MONDO:0015356.
Neurofibromatosis, type 1 (NF1). Also called: Neurofibromatosis, type I; Peripheral type neurofibromatosis; VON RECKLINGHAUSEN DISEASE; NEUROFIBROMATOSIS, TYPE I, SOMATIC. Identifiers: Orphanet 636, MedGen C0027831, MONDO:0018975, OMIM 162200. Disease mechanism: loss of function.

Allele frequency attached by ClinVar (database versions not stated): ExAC 0.00002; gnomAD 0.00001; gnomAD exomes 0.00001 and 0.00002.
gnomAD v4.1: 9 of 1,614,074 alleles (0.00056%); highest among the groups gnomAD compares: Admixed American, 0.005%; no homozygotes.

Submissions (3):

Myriad Genetics, Inc.
Classification: Benign for Neurofibromatosis, type 1. Last evaluated: 2026-09-28. Review status: criteria provided, single submitter. Criteria: Myriad Autosomal Dominant, Autosomal Recessive and X-Linked Classification Criteria (2023). Collection method: clinical testing. Allele origin: unknown.
Comment: This variant is considered benign. This variant is a silent/synonymous amino acid change and it is not expected to impact splicing.

Labcorp Genetics (formerly Invitae), Labcorp
Classification: Likely benign for Neurofibromatosis, type 1. Last evaluated: 2025-12-21. Review status: criteria provided, single submitter. Criteria: Invitae Variant Classification Sherloc (09022015). Collection method: clinical testing. Allele origin: germline.

Ambry Genetics
Classification: Likely benign for Cardiovascular phenotype; Hereditary cancer-predisposing syndrome. Last evaluated: 2023-02-25. Review status: criteria provided, single submitter. Criteria: Ambry Variant Classification Scheme 2023. Collection method: clinical testing. Allele origin: germline.